The following is an entry in ClinVar:

ClinVar aggregate classification (germline): Uncertain significance (1 of 4 stars; one submission).

Submission:

GeneDx
Classification: Uncertain significance. Last evaluated: 2026-04-08. Review status: criteria provided, single submitter. Criteria: GeneDx Variant Classification Process June 2021. Collection method: clinical testing. Allele origin: germline.
Comment: Not observed at significant frequency in large population cohorts (gnomAD); In silico analysis supports that this missense variant has a deleterious effect on protein structure/function; Has not been previously published as pathogenic or benign to our knowledge

NM_014975.3(MAST1):c.2584G>T (p.Gly862Cys)

Gene: MAST1 (microtubule associated serine/threonine kinase 1; plus strand). Cytogenetic location: 19p13.13.
Variant type: single nucleotide variant.
Coding change: c.2584G>T on transcript NM_014975.3 (MANE Select); coding-DNA position 2584, G replaced by T.
Protein change: p.Gly862Cys; replaces glycine 862 with cysteine.
Molecular consequence: missense variant.
Genome position (GRCh38, 1-based): chr19:12,868,660, G>T. VCF-style: chr19-12868660-G-T. GRCh37 (hg19) VCF-style: chr19-12979474-G-T.
Other names: short protein forms G862C.
Identifiers: ClinVar variation 5036989 (VCV005036989.1).